The following is an entry in ClinVar:

ClinVar aggregate classification (germline): Uncertain significance (1 of 4 stars; one submission).

gnomAD v4.1: 17 of 1,612,392 alleles (0.0011%); highest among the groups gnomAD compares: Middle Eastern, 0.18%; no homozygotes.

Submission:

GeneDx
Classification: Uncertain significance. Last evaluated: 2025-06-05. Review status: criteria provided, single submitter. Criteria: GeneDx Variant Classification Process June 2021. Collection method: clinical testing. Allele origin: germline. Affected: yes.
Comment: Not observed at significant frequency in large population cohorts (gnomAD); In silico analysis suggests that this missense variant does not alter protein structure/function; Has not been previously published as pathogenic or benign to our knowledge

NM_015634.4(KIFBP):c.991G>A (p.Asp331Asn)

Gene: KIFBP (kinesin family binding protein; plus strand). Cytogenetic location: 10q22.1.
Variant type: single nucleotide variant.
Coding change: c.991G>A on transcript NM_015634.4 (MANE Select); coding-DNA position 991, G replaced by A.
Protein change: p.Asp331Asn; replaces aspartic acid 331 with asparagine.
Molecular consequence: missense variant.
Genome position (GRCh38, 1-based): chr10:69,015,541, G>A. VCF-style: chr10-69015541-G-A. GRCh37 (hg19) VCF-style: chr10-70775297-G-A.
Other names: short protein forms D331N.
Identifiers: ClinVar variation 4536259 (VCV004536259.1).